The following is an entry in ClinVar:

ClinVar aggregate classification (germline): Uncertain significance. Review status: criteria provided, multiple submitters, no conflicts (2 of 4 stars). 4 submissions from 4 submitters: Uncertain significance (4). Last evaluated 2026-01-01.

Conditions:
Inborn genetic diseases. Identifiers: MedGen C0950123, MeSH D030342.

Allele frequency attached by ClinVar (database versions not stated): ExAC 0.00003; gnomAD 0.00003; gnomAD exomes 0.00003; TOPMed 0.00003; ESP Exome Variant Server 0.00008.
gnomAD v4.1: 50 of 1,613,912 alleles (0.0031%); highest among the groups gnomAD compares: Non-Finnish European, 0.0038%; no homozygotes.

Submissions (4):

Labcorp Genetics (formerly Invitae), Labcorp
Classification: Uncertain significance. Last evaluated: 2026-01-01. Review status: criteria provided, single submitter. Criteria: Invitae Variant Classification Sherloc (09022015). Collection method: clinical testing. Allele origin: germline.
Comment: This sequence change replaces arginine, which is basic and polar, with tryptophan, which is neutral and slightly polar, at codon 1639 of the ANKRD26 protein (p.Arg1639Trp). This variant is present in population databases (rs368507197, gnomAD 0.004%). This variant has not been reported in the literature in individuals affected with ANKRD26-related conditions. ClinVar contains an entry for this variant (Variation ID: 1802107). An algorithm developed to predict the effect of missense changes on protein structure and function outputs the following: PolyPhen-2: "Possibly Damaging". The tryptophan amino acid residue is found in multiple mammalian species, which suggests that this missense change does not adversely affect protein function. In summary, the available evidence is currently insufficient to determine the role of this variant in disease. Therefore, it has been classified as a Variant of Uncertain Significance.

Ambry Genetics
Classification: Uncertain significance for Inborn genetic diseases. Last evaluated: 2024-11-22. Review status: criteria provided, single submitter. Criteria: Ambry Variant Classification Scheme 2023. Collection method: clinical testing. Allele origin: germline.
Comment: The p.R1639W variant (also known as c.4915C>T), located in coding exon 32 of the ANKRD26 gene, results from a C to T substitution at nucleotide position 4915. The arginine at codon 1639 is replaced by tryptophan, an amino acid with dissimilar properties. This amino acid position is conserved. In addition, this alteration is predicted to be tolerated by in silico analysis. Based on the available evidence, the clinical significance of this variant remains unclear.

Blueprint Genetics
Classification: Uncertain significance. Last evaluated: 2024-03-12. Review status: criteria provided, single submitter. Criteria: ACMG Guidelines, 2015. Collection method: clinical testing. Allele origin: germline.

GeneDx
Classification: Uncertain significance. Last evaluated: 2022-06-03. Review status: criteria provided, single submitter. Criteria: GeneDx Variant Classification Process June 2021. Collection method: clinical testing. Allele origin: germline. Affected: yes.
Comment: Not observed at significant frequency in large population cohorts (gnomAD); In silico analysis supports that this missense variant has a deleterious effect on protein structure/function; Has not been previously published as pathogenic or benign to our knowledge

NM_014915.3(ANKRD26):c.4915C>T (p.Arg1639Trp)

Gene: ANKRD26 (ankyrin repeat domain 26; minus strand). Cytogenetic location: 10p12.1.
Variant type: single nucleotide variant.
Coding change: c.4915C>T on transcript NM_014915.3 (MANE Select); coding-DNA position 4915, C replaced by T.
Protein change: p.Arg1639Trp; replaces arginine 1639 with tryptophan.
Molecular consequence: missense variant.
Genome position (GRCh38, 1-based): chr10:27,012,920, G>A on the plus strand (C>T on the coding strand, the complement: ANKRD26 is on the minus strand). VCF-style: chr10-27012920-G-A. GRCh37 (hg19) VCF-style: chr10-27301849-G-A.
Other names: c.4912C>T, p.Arg1638Trp (NM_001256053.2); short protein forms R1638W, R1639W.
Identifiers: ClinVar variation 1802107 (VCV001802107.9), dbSNP rs368507197, ClinGen allele CA5447698.
Genomic context (GRCh38, chr10:27,012,920, plus strand): 5'-GAAAAAAGACAACATAACTAACCTTGCTCAAGTAGTTCTCCATGCTATTATTTGAAGCCC[G>A]TGGATTTGAGGTAGAGATCACTAAGTTTTCTCTTGGAATAAGTTTTCTGTTGAGATCTAA-3'
Protein context (NP_055730.2, residues 1629-1649): ENLVISTSNP[Arg1639Trp]ASNNSMENYL